The following is an entry in ClinVar:

NM_001082971.2(DDC):c.435+61C>T

Genes: DDC (dopa decarboxylase; minus strand), DDC-AS1 (DDC antisense RNA 1; plus strand). Cytogenetic location: 7p12.1.
Variant type: single nucleotide variant.
Coding change: c.435+61C>T on transcript NM_001082971.2 (MANE Select); 61 bases into the intron after coding-DNA position 435, C replaced by T.
Molecular consequence: intron variant.
Genome position (GRCh38, 1-based): chr7:50,537,799, G>A on the plus strand (C>T on the coding strand, the complement: DDC is on the minus strand). VCF-style: chr7-50537799-G-A. GRCh37 (hg19) VCF-style: chr7-50605497-G-A.
Other names: c.201+6086C>T (NM_001242888.2); c.321+61C>T (NM_001242886.2); c.435+61C>T (NM_001242889.2, NM_001242887.2, NM_000790.4 and 1 more transcripts).
Identifiers: ClinVar variation 1678661 (VCV001678661.3), dbSNP rs11575319, ClinGen allele CA158233852.

ClinVar aggregate classification (germline): Likely benign. Review status: criteria provided, multiple submitters, no conflicts (2 of 4 stars). 2 submissions from 2 submitters: Likely benign (2). Last evaluated 2021-05-26.

Allele frequency attached by ClinVar (database versions not stated): gnomAD exomes 0.00101; 1000 Genomes Project 30x 0.00859; 1000 Genomes Project 0.00879; gnomAD 0.00995 and 0.01072; TOPMed 0.01079.
gnomAD v4.1: 3,040 of 1,608,648 alleles (0.19%); highest among the groups gnomAD compares: African/African-American, 3.5%; 47 homozygotes.

Submissions (2):

GeneDx
Classification: Likely benign. Last evaluated: 2021-05-26. Review status: criteria provided, single submitter. Criteria: GeneDx Variant Classification Process June 2021. Collection method: clinical testing. Allele origin: germline. Affected: yes.
Comment: See Variant Classification Assertion Criteria.

Breakthrough Genomics
Classification: Likely benign. Review status: criteria provided, single submitter. Criteria: ACMG Guidelines, 2015. Collection method: not provided. Allele origin: germline. Inheritance: Autosomal recessive inheritance. Affected: yes.